The following is an entry in ClinVar:

ClinVar aggregate classification (germline): Pathogenic (1 of 4 stars; one submission).

Conditions:
Ataxia-telangiectasia syndrome (AT). Also called: LOUIS-BAR SYNDROME; AT, COMPLEMENTATION GROUP C; ATAXIA-TELANGIECTASIA, COMPLEMENTATION GROUP A; ATAXIA-TELANGIECTASIA, FRESNO VARIANT; Ataxia-telangiectasia; Cerebello-oculocutaneous telangiectasia. Identifiers: Orphanet 100, MedGen C0004135, MONDO:0008840, OMIM 208900.

Submission:

Labcorp Genetics (formerly Invitae), Labcorp
Classification: Pathogenic for Ataxia-telangiectasia syndrome. Last evaluated: 2024-04-16. Review status: criteria provided, single submitter. Criteria: Invitae Variant Classification Sherloc (09022015). Collection method: clinical testing. Allele origin: germline.
Comment: This sequence change creates a premature translational stop signal (p.Tyr1300*) in the ATM gene. It is expected to result in an absent or disrupted protein product. Loss-of-function variants in ATM are known to be pathogenic (PMID: 23807571, 25614872). This variant is not present in population databases (gnomAD no frequency). This variant has not been reported in the literature in individuals affected with ATM-related conditions. Algorithms developed to predict the effect of sequence changes on RNA splicing suggest that this variant may create or strengthen a splice site. For these reasons, this variant has been classified as Pathogenic.

Literature cited by the submitters: PubMed 23807571; PubMed 25614872.

NM_000051.4(ATM):c.3900T>G (p.Tyr1300Ter)

Gene: ATM (ATM serine/threonine kinase; plus strand). Cytogenetic location: 11q22.3.
Variant type: single nucleotide variant.
Coding change: c.3900T>G on transcript NM_000051.4 (MANE Select); coding-DNA position 3900, T replaced by G.
Protein change: p.Tyr1300Ter; replaces tyrosine 1300 with a stop codon.
Molecular consequence: nonsense.
Genome position (GRCh38, 1-based): chr11:108,284,380, T>G. VCF-style: chr11-108284380-T-G. GRCh37 (hg19) VCF-style: chr11-108155107-T-G.
Other names: c.3900T>G, p.Tyr1300Ter (NM_001351834.2); short protein forms Y1300*.
Identifiers: ClinVar variation 2754782 (VCV002754782.3), dbSNP rs2135707883, ClinGen allele CA382525607.